The following is an entry in ClinVar:

ClinVar aggregate classification (germline): Uncertain significance. Review status: criteria provided, multiple submitters, no conflicts (2 of 4 stars). 2 submissions from 2 submitters: Uncertain significance (2). Last evaluated 2022-08-02.

Conditions:
Inborn genetic diseases. Identifiers: MedGen C0950123, MeSH D030342.

Allele frequency attached by ClinVar (database versions not stated): gnomAD 0.00001; gnomAD exomes 0.00001 and 0.00002; ExAC 0.00002; TOPMed 0.00003.
gnomAD v4.1: 15 of 1,613,666 alleles (0.00093%); highest among the groups gnomAD compares: African/African-American, 0.0053%; no homozygotes.

Submissions (2):

Ambry Genetics
Classification: Uncertain significance for Inborn genetic diseases. Last evaluated: 2022-08-02. Review status: criteria provided, single submitter. Criteria: Ambry Variant Classification Scheme 2023. Collection method: clinical testing. Allele origin: germline.

Labcorp Genetics (formerly Invitae), Labcorp
Classification: Uncertain significance. Last evaluated: 2022-07-19. Review status: criteria provided, single submitter. Criteria: Invitae Variant Classification Sherloc (09022015). Collection method: clinical testing. Allele origin: germline.
Comment: This sequence change replaces arginine, which is basic and polar, with glycine, which is neutral and non-polar, at codon 2056 of the PCLO protein (p.Arg2056Gly). This variant is present in population databases (rs764296226, gnomAD 0.007%). This variant has not been reported in the literature in individuals affected with PCLO-related conditions. ClinVar contains an entry for this variant (Variation ID: 1345411). Algorithms developed to predict the effect of missense changes on protein structure and function are either unavailable or do not agree on the potential impact of this missense change (SIFT: "Tolerated"; PolyPhen-2: "Not Available"; Align-GVGD: "Class C0"). In summary, the available evidence is currently insufficient to determine the role of this variant in disease. Therefore, it has been classified as a Variant of Uncertain Significance.

NM_033026.6(PCLO):c.6166A>G (p.Arg2056Gly)

Gene: PCLO (piccolo presynaptic cytomatrix protein; minus strand). Cytogenetic location: 7q21.11.
Variant type: single nucleotide variant.
Coding change: c.6166A>G on transcript NM_033026.6 (MANE Select); coding-DNA position 6166, A replaced by G.
Protein change: p.Arg2056Gly; replaces arginine 2056 with glycine.
Molecular consequence: missense variant.
Genome position (GRCh38, 1-based): chr7:82,954,787, T>C on the plus strand (A>G on the coding strand, the complement: PCLO is on the minus strand). VCF-style: chr7-82954787-T-C. GRCh37 (hg19) VCF-style: chr7-82584103-T-C.
Other names: c.6166A>G, p.Arg2056Gly (NM_014510.3); c.6166A>G (NM_033026.5); short protein forms R2056G.
Identifiers: ClinVar variation 1345411 (VCV001345411.6), dbSNP rs764296226, ClinGen allele CA4320526.
Genomic context (GRCh38, chr7:82,954,787, plus strand): 5'-ATTGCATCTGTTGCCTCTTCATAAGTTCTTCATAGGCAGCATCAGCATCTAGTAGTTTCC[T>C]TTCTTCTTCTGTAGAAGTTACCATAGTACCCAGGTCCACTATCTCATGGCTTTCTGGGAT-3'
Protein context (NP_149015.2, residues 2046-2066): GTMVTSTEEE[Arg2056Gly]KLLDADAAYE